The following is an entry in ClinVar:

NM_014714.4(IFT140):c.2174T>C (p.Val725Ala)

Gene: IFT140 (intraflagellar transport 140; minus strand). Cytogenetic location: 16p13.3.
Variant type: single nucleotide variant.
Coding change: c.2174T>C on transcript NM_014714.4 (MANE Select); coding-DNA position 2174, T replaced by C.
Protein change: p.Val725Ala; replaces valine 725 with alanine.
Molecular consequence: missense variant.
Genome position (GRCh38, 1-based): chr16:1,562,010, A>G on the plus strand (T>C on the coding strand, the complement: IFT140 is on the minus strand). VCF-style: chr16-1562010-A-G. GRCh37 (hg19) VCF-style: chr16-1612011-A-G.
Other names: c.2174T>C (NM_014714.3); short protein forms V725A.
Identifiers: ClinVar variation 2076816 (VCV002076816.4), dbSNP rs1171782012, ClinGen allele CA394203234.
Genomic context (GRCh38, chr16:1,562,010, plus strand): 5'-CAGAAGACACCTGTGCGGATGTCGTGGCTTCGTACCTTTCTTGTGAAGTAGTAATAAGGC[A>G]CTTCCATCCCCAGGAGACTGTGGGAGGTGGCAGGCCGGGGGAAGCTCTCATGAAGCAGGA-3'
Protein context (NP_055529.2, residues 715-735): ATSHSLLGME[Val725Ala]PYYYFTRKPE

ClinVar aggregate classification (germline): Uncertain significance. Review status: criteria provided, multiple submitters, no conflicts (2 of 4 stars). 2 submissions from 2 submitters: Uncertain significance (2). Last evaluated 2024-01-17.

Conditions:
Inborn genetic diseases. Identifiers: MedGen C0950123, MeSH D030342.
Saldino-Mainzer syndrome (SRTD9). Also called: CONORENAL SYNDROME; Renal dysplasia, retinal pigmentary dystrophy, cerebellar ataxia and skeletal dysplasia; SHORT-RIB THORACIC DYSPLASIA 9 WITHOUT POLYDACTYLY; short-rib thoracic dysplasia 9 with or without polydactyly. Identifiers: Orphanet 140969, MedGen C1849437, MONDO:0009964, OMIM 266920.

Allele frequency attached by ClinVar (database versions not stated): gnomAD exomes 0.00002.
gnomAD v4.1: 26 of 1,609,152 alleles (0.0016%); highest among the groups gnomAD compares: Non-Finnish European, 0.002%; no homozygotes.

Submissions (2):

Ambry Genetics
Classification: Uncertain significance for Inborn genetic diseases. Last evaluated: 2024-01-17. Review status: criteria provided, single submitter. Criteria: Ambry Variant Classification Scheme 2023. Collection method: clinical testing. Allele origin: germline.

Labcorp Genetics (formerly Invitae), Labcorp
Classification: Uncertain significance for Saldino-Mainzer syndrome. Last evaluated: 2022-04-10. Review status: criteria provided, single submitter. Criteria: Invitae Variant Classification Sherloc (09022015). Collection method: clinical testing. Allele origin: germline.
Comment: In summary, the available evidence is currently insufficient to determine the role of this variant in disease. Therefore, it has been classified as a Variant of Uncertain Significance. Algorithms developed to predict the effect of missense changes on protein structure and function are either unavailable or do not agree on the potential impact of this missense change (SIFT: "Deleterious"; PolyPhen-2: "Benign"; Align-GVGD: "Class C0"). This variant has not been reported in the literature in individuals affected with IFT140-related conditions. This variant is present in population databases (no rsID available, gnomAD 0.002%). This sequence change replaces valine, which is neutral and non-polar, with alanine, which is neutral and non-polar, at codon 725 of the IFT140 protein (p.Val725Ala).